The following is an entry in ClinVar:

ClinVar aggregate classification (germline): Uncertain significance. Review status: criteria provided, multiple submitters, no conflicts (2 of 4 stars). 3 submissions from 3 submitters: Uncertain significance (3). Last evaluated 2024-08-05.

Conditions:
Primary ciliary dyskinesia. Also called: Ciliary dyskinesia. Identifiers: Orphanet 244, MedGen C0008780, MONDO:0016575, HP:0012265.

Allele frequency attached by ClinVar (database versions not stated): 1000 Genomes Project 30x 0.00016; 1000 Genomes Project 0.00020; gnomAD 0.00021 and 0.00022; ESP Exome Variant Server 0.00023; TOPMed 0.00029.
gnomAD v4.1: 466 of 1,613,418 alleles (0.029%); highest among the groups gnomAD compares: Admixed American, 0.04%; no homozygotes.

Submissions (3):

Ambry Genetics
Classification: Uncertain significance. Last evaluated: 2024-08-05. Review status: criteria provided, single submitter. Criteria: Ambry Variant Classification Scheme 2023. Collection method: clinical testing. Allele origin: germline.

Labcorp Genetics (formerly Invitae), Labcorp
Classification: Uncertain significance for Primary ciliary dyskinesia. Last evaluated: 2022-07-05. Review status: criteria provided, single submitter. Criteria: Invitae Variant Classification Sherloc (09022015). Collection method: clinical testing. Allele origin: germline.
Comment: This sequence change replaces lysine, which is basic and polar, with glutamine, which is neutral and polar, at codon 1729 of the DNAH8 protein (p.Lys1729Gln). This variant is present in population databases (rs148767488, gnomAD 0.03%). This variant has not been reported in the literature in individuals affected with DNAH8-related conditions. ClinVar contains an entry for this variant (Variation ID: 407298). Algorithms developed to predict the effect of missense changes on protein structure and function are either unavailable or do not agree on the potential impact of this missense change (SIFT: "Deleterious"; PolyPhen-2: "Not Available"; Align-GVGD: "Class C45"). In summary, the available evidence is currently insufficient to determine the role of this variant in disease. Therefore, it has been classified as a Variant of Uncertain Significance.

UNC Molecular Genetics  Laboratory, University of North Carolina at Chapel Hill
Classification: Uncertain significance for Primary ciliary dyskinesia. Last evaluated: 2018-10-12. Review status: criteria provided, single submitter. Criteria: ACMG Guidelines, 2015. Collection method: clinical testing. Allele origin: germline. Observed: 1 compound heterozygote.

NM_001206927.2(DNAH8):c.5185A>C (p.Lys1729Gln)

Gene: DNAH8 (dynein axonemal heavy chain 8; plus strand). Cytogenetic location: 6p21.2.
Variant type: single nucleotide variant.
Coding change: c.5185A>C on transcript NM_001206927.2 (MANE Select); coding-DNA position 5185, A replaced by C.
Protein change: p.Lys1729Gln; replaces lysine 1729 with glutamine.
Molecular consequence: missense variant.
Genome position (GRCh38, 1-based): chr6:38,848,787, A>C. VCF-style: chr6-38848787-A-C. GRCh37 (hg19) VCF-style: chr6-38816563-A-C.
Other names: c.4534A>C, p.Lys1512Gln (NM_001371.4); short protein forms K1729Q, K1512Q.
Identifiers: ClinVar variation 407298 (VCV000407298.11), dbSNP rs148767488, ClinGen allele CA3789301.
Genomic context (GRCh38, chr6:38,848,787, plus strand): 5'-CTCGTAGTACAGAACCTTTGGGTTTATCTTGAAGCCGTCTTTGTAGGTGGAGATATTGCC[A>C]AACAGCTGCCTCAGGTAAATATGGCTTTTGTAATTACTGATAAAATAATTTGGTGTATGT-3'
Protein context (NP_001193856.1, residues 1719-1739): EAVFVGGDIA[Lys1729Gln]QLPQEAKRFQ